The following is an entry in ClinVar:

ClinVar aggregate classification (germline): Uncertain significance (1 of 4 stars; one submission).

Allele frequency attached by ClinVar (database versions not stated): gnomAD exomes below 0.00001 and 0.00001; ExAC 0.00001; gnomAD 0.00003; TOPMed 0.00004; ESP Exome Variant Server 0.00008.
gnomAD v4.1: 5 of 1,564,060 alleles (0.00032%); highest among the groups gnomAD compares: African/African-American, 0.0054%; no homozygotes.

Submission:

Labcorp Genetics (formerly Invitae), Labcorp
Classification: Uncertain significance. Last evaluated: 2021-05-24. Review status: criteria provided, single submitter. Criteria: Invitae Variant Classification Sherloc (09022015). Collection method: clinical testing. Allele origin: germline.
Comment: This sequence change replaces aspartic acid with glycine at codon 192 of the ACER3 protein (p.Asp192Gly). The aspartic acid residue is highly conserved and there is a moderate physicochemical difference between aspartic acid and glycine. In summary, the available evidence is currently insufficient to determine the role of this variant in disease. Therefore, it has been classified as a Variant of Uncertain Significance. Algorithms developed to predict the effect of sequence changes on RNA splicing suggest that this variant may create or strengthen a splice site, but this prediction has not been confirmed by published transcriptional studies. Algorithms developed to predict the effect of missense changes on protein structure and function are either unavailable or do not agree on the potential impact of this missense change (SIFT: "Deleterious"; PolyPhen-2: "Probably Damaging"; Align-GVGD: "Class C0"). This variant has not been reported in the literature in individuals with ACER3-related conditions. This variant is present in population databases (rs368988870, ExAC 0.01%).

NM_018367.7(ACER3):c.575A>G (p.Asp192Gly)

Gene: ACER3 (alkaline ceramidase 3; plus strand). Cytogenetic location: 11q13.5.
Variant type: single nucleotide variant.
Coding change: c.575A>G on transcript NM_018367.7 (MANE Select); coding-DNA position 575, A replaced by G.
Protein change: p.Asp192Gly; replaces aspartic acid 192 with glycine.
Molecular consequence: missense variant.
Genome position (GRCh38, 1-based): chr11:77,015,093, A>G. VCF-style: chr11-77015093-A-G. GRCh37 (hg19) VCF-style: chr11-76726137-A-G.
Other names: c.464A>G, p.Asp155Gly (NM_001300953.2); c.290A>G, p.Asp97Gly (NM_001300954.2, NM_001300955.2); short protein forms D192G, D97G, D155G.
Identifiers: ClinVar variation 1396397 (VCV001396397.8), dbSNP rs368988870, ClinGen allele CA6195742.
Genomic context (GRCh38, chr11:77,015,093, plus strand): 5'-GAGGACTGGGTTATACATCATTGGGTATATTTTTATTGGGATTTTTATTTTGGAATATAG[A>G]TAACATATTTTGTGAGTCACTGAGGTAAGATATATTTTCATTCCTTCAGAAATATTTTTG-3'
Protein context (NP_060837.3, residues 182-202): FLLGFLFWNI[Asp192Gly]NIFCESLRNF